The following is an entry in ClinVar:

NM_006231.4(POLE):c.2101G>C (p.Glu701Gln)

Gene: POLE (DNA polymerase epsilon, catalytic subunit; minus strand). Cytogenetic location: 12q24.33.
Variant type: single nucleotide variant.
Coding change: c.2101G>C on transcript NM_006231.4 (MANE Select); coding-DNA position 2101, G replaced by C.
Protein change: p.Glu701Gln; replaces glutamic acid 701 with glutamine.
Molecular consequence: missense variant.
Genome position (GRCh38, 1-based): chr12:132,668,428, C>G on the plus strand (G>C on the coding strand, the complement: POLE is on the minus strand). VCF-style: chr12-132668428-C-G. GRCh37 (hg19) VCF-style: chr12-133245014-C-G.
Other names: short protein forms E701Q.
Identifiers: ClinVar variation 946937 (VCV000946937.8), dbSNP rs2042845113, ClinGen allele CA387353970.

ClinVar aggregate classification (germline): Uncertain significance (1 of 4 stars; one submission).

Submission:

Labcorp Genetics (formerly Invitae), Labcorp
Classification: Uncertain significance. Last evaluated: 2021-04-13. Review status: criteria provided, single submitter. Criteria: Invitae Variant Classification Sherloc (09022015). Collection method: clinical testing. Allele origin: germline.
Comment: This variant has not been reported in the literature in individuals with POLE-related conditions. This variant is not present in population databases (ExAC no frequency). This sequence change replaces glutamic acid with glutamine at codon 701 of the POLE protein (p.Glu701Gln). The glutamic acid residue is weakly conserved and there is a small physicochemical difference between glutamic acid and glutamine. Algorithms developed to predict the effect of missense changes on protein structure and function (SIFT, PolyPhen-2, Align-GVGD) all suggest that this variant is likely to be tolerated, but these predictions have not been confirmed by published functional studies and their clinical significance is uncertain. In summary, the available evidence is currently insufficient to determine the role of this variant in disease. Therefore, it has been classified as a Variant of Uncertain Significance.